The following is an entry in ClinVar:

ClinVar aggregate classification (germline): Benign/Likely benign. Review status: criteria provided, multiple submitters, no conflicts (2 of 4 stars). 2 submissions from 2 submitters: Benign (1); Likely benign (1). Last evaluated 2025-11-01.

gnomAD v4.1: 210 of 1,614,162 alleles (0.013%); highest among the groups gnomAD compares: Admixed American, 0.31%; no homozygotes.

Submissions (2):

CeGaT Center for Human Genetics Tuebingen
Classification: Likely benign. Last evaluated: 2025-11-01. Review status: criteria provided, single submitter. Criteria: CeGaT Center For Human Genetics Tuebingen Variant Classification Criteria Version 2. Collection method: clinical testing. Allele origin: germline. Affected: yes. Observed: 1 variant allele.
Comment: PIKFYVE: BS1

Labcorp Genetics (formerly Invitae), Labcorp
Classification: Benign. Last evaluated: 2024-07-08. Review status: criteria provided, single submitter. Criteria: Invitae Variant Classification Sherloc (09022015). Collection method: clinical testing. Allele origin: germline.

NM_015040.4(PIKFYVE):c.2575A>G (p.Met859Val)

Gene: PIKFYVE (phosphoinositide kinase, FYVE-type zinc finger containing; plus strand). Cytogenetic location: 2q34.
Variant type: single nucleotide variant.
Coding change: c.2575A>G on transcript NM_015040.4 (MANE Select); coding-DNA position 2575, A replaced by G.
Protein change: p.Met859Val; replaces methionine 859 with valine.
Molecular consequence: missense variant.
Genome position (GRCh38, 1-based): chr2:208,325,386, A>G. VCF-style: chr2-208325386-A-G. GRCh37 (hg19) VCF-style: chr2-209190110-A-G.
Other names: short protein forms M859V.
Identifiers: ClinVar variation 3669713 (VCV003669713.8).